The following is an entry in ClinVar:

ClinVar aggregate classification (germline): Uncertain significance. Review status: criteria provided, multiple submitters, no conflicts (2 of 4 stars). 3 submissions from 3 submitters: Uncertain significance (3). Last evaluated 2023-03-29.

Conditions:
Early-infantile DEE. Also called: Early infantile epileptic encephalopathy; Ohtahara syndrome; Early infantile epileptic encephalopathy with suppression bursts. Identifiers: Orphanet 1934, MedGen C0393706, MONDO:0800491.
Developmental and epileptic encephalopathy, 3 (DEE3). Also called: Epileptic encephalopathy, early infantile, 3. Identifiers: MedGen C5574665, MONDO:0012245, OMIM 609304.
Early Myoclonic Encephalopathy. Identifiers: MedGen C0270855.

Allele frequency attached by ClinVar (database versions not stated): TOPMed below 0.00001; gnomAD 0.00001; gnomAD exomes below 0.00001; ExAC 0.00002.
gnomAD v4.1: 7 of 1,612,734 alleles (0.00043%); highest among the groups gnomAD compares: East Asian, 0.0022%; no homozygotes.

Submissions (3):

Institute of Human Genetics, University of Leipzig Medical Center
Classification: Uncertain significance for Developmental and epileptic encephalopathy, 3. Last evaluated: 2023-03-29. Review status: criteria provided, single submitter. Criteria: ACMG Guidelines, 2015. Collection method: clinical testing. Allele origin: paternal. Affected: yes.
Comment: Criteria applied: PM3,PM2_SUP,PP3

Labcorp Genetics (formerly Invitae), Labcorp
Classification: Uncertain significance for Early-infantile DEE. Last evaluated: 2020-10-01. Review status: criteria provided, single submitter. Criteria: Invitae Variant Classification Sherloc (09022015). Collection method: clinical testing. Allele origin: germline.
Comment: This variant is present in population databases (rs780763318, ExAC 0.01%). In summary, the available evidence is currently insufficient to determine the role of this variant in disease. Therefore, it has been classified as a Variant of Uncertain Significance. Algorithms developed to predict the effect of missense changes on protein structure and function (SIFT, PolyPhen-2, Align-GVGD) all suggest that this variant is likely to be disruptive, but these predictions have not been confirmed by published functional studies and their clinical significance is uncertain. This variant has been observed in individual(s) with clinical features of epileptic encephalopathy (Invitae). This sequence change replaces arginine with tryptophan at codon 67 of the SLC25A22 protein (p.Arg67Trp). The arginine residue is highly conserved and there is a moderate physicochemical difference between arginine and tryptophan.

Illumina Laboratory Services, Illumina
Classification: Uncertain significance for Developmental and epileptic encephalopathy, 3. Last evaluated: 2018-01-13. Review status: criteria provided, single submitter. Criteria: ICSL Variant Classification Criteria 13 December 2019. Collection method: clinical testing. Allele origin: germline.

NM_001191061.2(SLC25A22):c.199C>T (p.Arg67Trp)

Gene: SLC25A22 (solute carrier family 25 member 22; minus strand). Cytogenetic location: 11p15.5.
Variant type: single nucleotide variant.
Coding change: c.199C>T on transcript NM_001191061.2 (MANE Select); coding-DNA position 199, C replaced by T.
Protein change: p.Arg67Trp; replaces arginine 67 with tryptophan.
Molecular consequence: missense variant.
Genome position (GRCh38, 1-based): chr11:794,461, G>A on the plus strand (C>T on the coding strand, the complement: SLC25A22 is on the minus strand). VCF-style: chr11-794461-G-A. GRCh37 (hg19) VCF-style: chr11-794461-G-A.
Other names: c.199C>T, p.Arg67Trp (NM_001191060.2, NM_024698.6); short protein forms R67W.
Identifiers: ClinVar variation 883624 (VCV000883624.16), dbSNP rs780763318, ClinGen allele CA5789331.